The following is an entry in ClinVar:

ClinVar aggregate classification (germline): Likely benign. Review status: criteria provided, multiple submitters, no conflicts (2 of 4 stars). 2 submissions from 2 submitters: Likely benign (2). Last evaluated 2026-01-11.

Conditions:
Curry-Hall syndrome (WAD). Also called: WEYERS ACRODENTAL DYSOSTOSIS. Identifiers: Orphanet 952, MedGen C0457013, MONDO:0008673, OMIM 193530.
Ellis-van Creveld syndrome (EVC). Also called: Chondroectodermal dysplasia; MESOECTODERMAL DYSPLASIA. Identifiers: Orphanet 289, MedGen C0013903, MONDO:0009162, OMIM 225500.

Allele frequency attached by ClinVar (database versions not stated): ExAC 0.00002; gnomAD exomes 0.00003; gnomAD 0.00005; TOPMed 0.00005; ESP Exome Variant Server 0.00023.
gnomAD v4.1: 73 of 1,613,876 alleles (0.0045%); highest among the groups gnomAD compares: African/African-American, 0.011%; no homozygotes.

Submissions (2):

Labcorp Genetics (formerly Invitae), Labcorp
Classification: Likely benign for Curry-Hall syndrome; Ellis-van Creveld syndrome. Last evaluated: 2026-01-11. Review status: criteria provided, single submitter. Criteria: Invitae Variant Classification Sherloc (09022015). Collection method: clinical testing. Allele origin: germline.

CeGaT Center for Human Genetics Tuebingen
Classification: Likely benign. Last evaluated: 2023-01-01. Review status: criteria provided, single submitter. Criteria: CeGaT Center For Human Genetics Tuebingen Variant Classification Criteria Version 2. Collection method: clinical testing. Allele origin: germline. Affected: yes. Observed: 1 variant allele.
Comment: EVC2: BP4, BP7

NM_147127.5(EVC2):c.2076C>T (p.Ser692=)

Gene: EVC2 (EvC ciliary complex subunit 2; minus strand). Cytogenetic location: 4p16.2.
Variant type: single nucleotide variant.
Coding change: c.2076C>T on transcript NM_147127.5 (MANE Select); coding-DNA position 2076, C replaced by T.
Protein change: p.Ser692=; no amino-acid change (serine 692 retained).
Molecular consequence: synonymous variant.
Genome position (GRCh38, 1-based): chr4:5,622,962, G>A on the plus strand (C>T on the coding strand, the complement: EVC2 is on the minus strand). VCF-style: chr4-5622962-G-A. GRCh37 (hg19) VCF-style: chr4-5624689-G-A.
Other names: c.1836C>T, p.Ser612= (NM_001166136.2).
Identifiers: ClinVar variation 758250 (VCV000758250.35), dbSNP rs138556477, ClinGen allele CA2834818.